The following is an entry in ClinVar:

NM_207421.4(PADI6):c.831_832del (p.Ser278fs)

Gene: PADI6 (peptidyl arginine deiminase 6; plus strand). Cytogenetic location: 1p36.13.
Variant type: Microsatellite.
Coding change: c.831_832del on transcript NM_207421.4 (MANE Select); coding-DNA positions 831 to 832, 2 bases deleted (GT; older notation c.831_832delGT).
Protein change: p.Ser278fs; shifts the reading frame from serine 278.
Molecular consequence: frameshift variant.
Genome position (GRCh38, 1-based): chr1:17,388,532-17,388,533, GT deleted; deleting any 2 consecutive bases within chr1:17,388,529-17,388,533 gives the same sequence; the c. name uses the placement nearest the transcript's 3' end. VCF-style (leftmost placement, unchanged base first): chr1-17388528-CTG-C. GRCh37 (hg19) VCF-style: chr1-17715023-CTG-C.
Other names: short protein forms S278fs.
Identifiers: ClinVar variation 5019843 (VCV005019843.2).

ClinVar aggregate classification (germline): Pathogenic (1 of 4 stars; one submission).

Conditions:
Oocyte/zygote/embryo maturation arrest 16. Also called: Preimplantation embryonic lethality 2. Identifiers: MedGen C4310659, MONDO:1010200, OMIM 617234.

Submission:

Juno Genomics, Hangzhou Juno Genomics, Inc
Classification: Pathogenic for Oocyte/zygote/embryo maturation arrest 16. Review status: criteria provided, single submitter. Criteria: ACMG Guidelines, 2015. Collection method: clinical testing. Allele origin: germline.
Comment: Absent from controls (or at extremely low frequency if recessive) in Genome Aggregation Database.;Null variant in a gene where loss of function (LOF) is a known mechanism of disease.;For recessive disorders, detected in trans with a pathogenic variant.;Patient's phenotype or family history is highly specific for a disease with a single genetic etiology.